The following is an entry in ClinVar:

ClinVar aggregate classification (germline): Likely benign (0 of 4 stars; one submission).

Conditions:
PLXNA2-related disorder. Also called: PLXNA2-related condition.

gnomAD v4.1: 17 of 1,614,084 alleles (0.0011%); highest among the groups gnomAD compares: African/African-American, 0.0067%; no homozygotes.

Submission:

PreventionGenetics, part of Exact Sciences
Classification: Likely benign for PLXNA2-related condition. Last evaluated: 2021-07-26. Review status: no assertion criteria provided. Collection method: clinical testing. Allele origin: germline.
Comment: This variant is classified as likely benign based on ACMG/AMP sequence variant interpretation guidelines (Richards et al. 2015 PMID: 25741868, with internal and published modifications).

NM_025179.4(PLXNA2):c.312C>T (p.Ser104=)

Gene: PLXNA2 (plexin A2; minus strand). Cytogenetic location: 1q32.2.
Variant type: single nucleotide variant.
Coding change: c.312C>T on transcript NM_025179.4 (MANE Select); coding-DNA position 312, C replaced by T.
Protein change: p.Ser104=; no amino-acid change (serine 104 retained).
Molecular consequence: synonymous variant.
Genome position (GRCh38, 1-based): chr1:208,217,611, G>A on the plus strand (C>T on the coding strand, the complement: PLXNA2 is on the minus strand). VCF-style: chr1-208217611-G-A. GRCh37 (hg19) VCF-style: chr1-208390956-G-A.
Identifiers: ClinVar variation 3351046 (VCV003351046.1).